The following is an entry in ClinVar:

ClinVar aggregate classification (germline): Uncertain significance. Review status: criteria provided, single submitter (1 of 4 stars). 2 submissions from 2 submitters: Uncertain significance (1). 1 of the submissions does not count toward it. Last evaluated 2024-03-11.

Conditions:
HBA2-related disorder. Also called: HBA2-related condition.

Submissions (2):

ARUP Laboratories, Molecular Genetics and Genomics, ARUP Laboratories
Classification: Uncertain significance. Last evaluated: 2024-03-11. Review status: criteria provided, single submitter. Criteria: ARUP Molecular Germline Variant Investigation Process 2024. Collection method: clinical testing. Allele origin: germline.
Comment: The Hb Chiapas (HBA2: c.344C>G; p.Pro115Arg, also known as Pro114Arg when numbered from the mature protein, rs267607269, HbVar ID:176) is reported in the literature in an heterozygous individual during surveys with no known associated clinical symptoms (Jones 1968, Ibarra 1981, HbVar and references therein). This variant is not reported in ClinVar and is absent from the Genome Aggregation Database, indicating it is not a common polymorphism. Although the resulting Hb product was readily identifiable by electrophoresis and was tested as normal stability (Ibarra 1981), there is no other functional and structural outcome known. The phenotype of this variant in the presence of other alpha globin variants is unknown either. The proline at codon 115 is moderately conserved, but computational are uncertain whether this variant is neutral or deleterious (REVEL: 0.468). Due to limited information, the clinical significance of the Hb Chiapas variant is uncertain at this time. References: Jones, R. T., et al. Chemical characterization of hemoglobinMexico and hemoglobinChiapas. Biochimica et Biophysica Acta (BBA). Protein Structure 1968; 154(3): 488-495. Ibarra B et al. Hb Chiapas alpha 2 114 Pro replaced by Arg beta 2: identification by high pressure liquid chromatography. Hemoglobin. 1981;5(6):605-8. PMID: 7319830. Link to HbVar database

PreventionGenetics, part of Exact Sciences
Classification: Uncertain significance for HBA2-related condition. Last evaluated: 2024-02-29. Review status: no assertion criteria provided. Collection method: clinical testing. Allele origin: germline. Not counted in ClinVar's aggregate classification.
Comment: The HBA2 c.344C>G variant is predicted to result in the amino acid substitution p.Pro115Arg. This variant is also known as Hb Chiapas or p.Pro114Arg using legacy nomenclature. Individuals carrying this variant were described as clinically normal (Lisker et al. 1966. PubMed ID: 5945763; Jones et al. 1968. PubMed ID: 5650416; Ibarra et al. 1981. PubMed ID: 7319830). This variant has not been reported in a large population database, indicating this variant is rare. At this time, the clinical significance of this variant is uncertain due to the absence of conclusive functional and genetic evidence.

NM_000517.6(HBA2):c.344C>G (p.Pro115Arg)

Genes: HBA2 (hemoglobin subunit alpha 2; plus strand), LOC106804612 (hemoglobin subunit alpha 2 recombination region; plus strand). Cytogenetic location: 16p13.3.
Variant type: single nucleotide variant.
Coding change: c.344C>G on transcript NM_000517.6 (MANE Select); coding-DNA position 344, C replaced by G.
Protein change: p.Pro115Arg; replaces proline 115 with arginine.
Molecular consequence: missense variant.
Genome position (GRCh38, 1-based): chr16:173,515, C>G. VCF-style: chr16-173515-C-G. GRCh37 (hg19) VCF-style: chr16-223514-C-G.
Other names: short protein forms P115R.
Identifiers: ClinVar variation 3061293 (VCV003061293.3), dbSNP rs267607269, ClinGen allele CA276415384.